The following is an entry in ClinVar:

ClinVar aggregate classification (germline): Likely benign (1 of 4 stars; one submission).

Submission:

CeGaT Center for Human Genetics Tuebingen
Classification: Likely benign. Last evaluated: 2025-06-01. Review status: criteria provided, single submitter. Criteria: CeGaT Center For Human Genetics Tuebingen Variant Classification Criteria Version 2. Collection method: clinical testing. Allele origin: germline. Affected: yes. Observed: 1 variant allele.
Comment: PPP1R3F: PM2:Supporting, BP4, BP7

NM_033215.5(PPP1R3F):c.18T>C (p.Pro6=)

Genes: PPP1R3F (protein phosphatase 1 regulatory subunit 3F; plus strand), LOC130068282 (ATAC-STARR-seq lymphoblastoid silent region 20845; plus strand). Cytogenetic location: Xp11.23.
Variant type: single nucleotide variant.
Coding change: c.18T>C on transcript NM_033215.5 (MANE Select); coding-DNA position 18, T replaced by C.
Protein change: p.Pro6=; no amino-acid change (proline 6 retained).
Molecular consequence: synonymous variant. On other transcripts: 5 prime UTR variant (1).
Genome position (GRCh38, 1-based): chrX:49,269,887, T>C. VCF-style: chrX-49269887-T-C. GRCh37 (hg19) VCF-style: chrX-49126350-T-C.
Other names: c.-78T>C (NM_001184745.2).
Identifiers: ClinVar variation 3906009 (VCV003906009.10).